The following is an entry in ClinVar:

NM_001122630.2(CDKN1C):c.422C>T (p.Pro141Leu)

Gene: CDKN1C (cyclin dependent kinase inhibitor 1C; minus strand). Cytogenetic location: 11p15.4.
Variant type: single nucleotide variant.
Coding change: c.422C>T on transcript NM_001122630.2 (MANE Select); coding-DNA position 422, C replaced by T.
Protein change: p.Pro141Leu; replaces proline 141 with leucine.
Molecular consequence: missense variant. On other transcripts: intron variant (1).
Genome position (GRCh38, 1-based): chr11:2,885,035, G>A on the plus strand (C>T on the coding strand, the complement: CDKN1C is on the minus strand). VCF-style: chr11-2885035-G-A. GRCh37 (hg19) VCF-style: chr11-2906265-G-A.
Other names: c.455C>T, p.Pro152Leu (NM_000076.2, NM_001362474.2); c.422C>T, p.Pro141Leu (NM_001122631.2); c.255+167C>T (NM_001362475.2); short protein forms P152L, P141L.
Identifiers: ClinVar variation 962213 (VCV000962213.9), dbSNP rs1848953520, ClinGen allele CA379146663.

ClinVar aggregate classification (germline): Uncertain significance (1 of 4 stars; one submission).

Conditions:
Beckwith-Wiedemann syndrome (BWS). Also called: Exomphalos macroglossia gigantism syndrome; EMG SYNDROME. Identifiers: Orphanet 116, MedGen C0004903, MONDO:0007534, OMIM 130650.

Submission:

Labcorp Genetics (formerly Invitae), Labcorp
Classification: Uncertain significance for Beckwith-Wiedemann syndrome. Last evaluated: 2024-10-29. Review status: criteria provided, single submitter. Criteria: Invitae Variant Classification Sherloc (09022015). Collection method: clinical testing. Allele origin: germline.
Comment: This sequence change replaces proline, which is neutral and non-polar, with leucine, which is neutral and non-polar, at codon 152 of the CDKN1C protein (p.Pro152Leu). This variant is not present in population databases (gnomAD no frequency). This variant has not been reported in the literature in individuals affected with CDKN1C-related conditions. ClinVar contains an entry for this variant (Variation ID: 962213). Experimental studies and prediction algorithms are not available or were not evaluated, and the functional significance of this variant is currently unknown. In summary, the available evidence is currently insufficient to determine the role of this variant in disease. Therefore, it has been classified as a Variant of Uncertain Significance.